The following is an entry in ClinVar:

NM_001005273.3(CHD3):c.2969C>T (p.Pro990Leu)

Gene: CHD3 (chromodomain helicase DNA binding protein 3; plus strand). Cytogenetic location: 17p13.1.
Variant type: single nucleotide variant.
Coding change: c.2969C>T on transcript NM_001005273.3 (MANE Select); coding-DNA position 2969, C replaced by T.
Protein change: p.Pro990Leu; replaces proline 990 with leucine.
Molecular consequence: missense variant.
Genome position (GRCh38, 1-based): chr17:7,900,722, C>T. VCF-style: chr17-7900722-C-T. GRCh37 (hg19) VCF-style: chr17-7804040-C-T.
Other names: c.3146C>T, p.Pro1049Leu (NM_001005271.3, NM_001437504.1); c.3134C>T, p.Pro1045Leu (NM_001437507.1, NM_001437508.1, NM_001437509.1); c.2969C>T, p.Pro990Leu (NM_005852.4); short protein forms P1045L, P1049L, P990L.
Identifiers: ClinVar variation 4082340 (VCV004082340.2).

ClinVar aggregate classification (germline): Uncertain significance (1 of 4 stars; one submission).

Conditions:
Snijders Blok-Campeau syndrome. Also called: INTELLECTUAL DEVELOPMENTAL DISORDER WITH MACROCEPHALY, SPEECH DELAY, AND DYSMORPHIC FACIES. Identifiers: Orphanet 599082, MedGen C4748701, MONDO:0032600, OMIM 618205.

Submission:

Institute of Human Genetics, University of Leipzig Medical Center
Classification: Uncertain significance for Snijders Blok-Campeau syndrome. Last evaluated: 2025-07-09. Review status: criteria provided, single submitter. Criteria: ACMG Guidelines, 2015. Collection method: clinical testing. Allele origin: unknown. Inheritance: Autosomal dominant inheritance. Affected: yes.
Comment: Criteria applied: PM2,PM1,PP2